The following is an entry in ClinVar:

NM_000535.7(PMS2):c.804-11A>T

Gene: PMS2 (PMS1 homolog 2, mismatch repair system component; minus strand). Cytogenetic location: 7p22.1.
Variant type: single nucleotide variant.
Coding change: c.804-11A>T on transcript NM_000535.7 (MANE Select); 11 bases into the intron before coding-DNA position 804, A replaced by T.
Molecular consequence: intron variant.
Genome position (GRCh38, 1-based): chr7:5,995,644, T>A on the plus strand (A>T on the coding strand, the complement: PMS2 is on the minus strand). VCF-style: chr7-5995644-T-A. GRCh37 (hg19) VCF-style: chr7-6035275-T-A.
Other names: c.486-11A>T (NM_001322008.2, NM_001406902.1, NM_001406883.1 and 4 more transcripts); c.495-11A>T (NM_001406881.1, NM_001406879.1, NM_001322015.2 and 6 more transcripts); c.399-11A>T (NM_001406895.1, NM_001322010.2, NM_001322004.2 and 19 more transcripts); c.133-3587A>T (NM_001406911.1); c.291-11A>T (NM_001406904.1, NM_001406905.1); c.231-11A>T (NM_001322013.2, NM_001406909.1); c.-130-11A>T (NM_001322012.2, NM_001322011.2); c.468-11A>T (NM_001406885.1); and 8 more.
Identifiers: ClinVar variation 3904446 (VCV003904446.2).
Genomic context (GRCh38, chr7:5,995,644, plus strand): 5'-TTGAACTCCTTCCAACTCCATGCGTGCATTGTGAAATGAAACCTGAGATGCTATTCAACA[T>A]TAATATGGTAAGGGCAGGATTCCAGAGTGAAAGGGATTAGAAATACGATCACATGGCACA-3'

ClinVar aggregate classification (germline): Likely benign. Review status: criteria provided, multiple submitters, no conflicts (2 of 4 stars). 2 submissions from 2 submitters: Likely benign (2). Last evaluated 2025-06-24.

Conditions:
Hereditary nonpolyposis colorectal neoplasms. Identifiers: MedGen C0009405, MeSH D003123.
Lynch syndrome 4 (LYNCH4). Also called: Hereditary non-polyposis colorectal cancer, type 4; Colorectal cancer, hereditary nonpolyposis, type 4. Identifiers: Orphanet 144, MedGen C1838333, MONDO:0013699, OMIM 614337. Disease mechanism: loss of function.

gnomAD v4.1: 2 of 1,568,468 alleles (0.00013%); highest among the groups gnomAD compares: Non-Finnish European, 0.00018%; no homozygotes.

Submissions (2):

Labcorp Genetics (formerly Invitae), Labcorp
Classification: Likely benign for Hereditary nonpolyposis colorectal neoplasms. Last evaluated: 2025-06-24. Review status: criteria provided, single submitter. Criteria: Invitae Variant Classification Sherloc (09022015). Collection method: clinical testing. Allele origin: germline.

Myriad Genetics, Inc.
Classification: Likely benign for Lynch syndrome 4. Last evaluated: 2025-01-28. Review status: criteria provided, single submitter. Criteria: Myriad Autosomal Dominant, Autosomal Recessive and X-Linked Classification Criteria (2023). Collection method: clinical testing. Allele origin: unknown.
Comment: This variant is considered likely benign. This variant is intronic and is not expected to impact mRNA splicing.